The following is an entry in ClinVar:

NM_007030.3(TPPP):c.125C>T (p.Ala42Val)

Gene: TPPP (tubulin polymerization promoting protein; minus strand). Cytogenetic location: 5p15.33.
Variant type: single nucleotide variant.
Coding change: c.125C>T on transcript NM_007030.3 (MANE Select); coding-DNA position 125, C replaced by T.
Protein change: p.Ala42Val; replaces alanine 42 with valine.
Molecular consequence: missense variant.
Genome position (GRCh38, 1-based): chr5:677,936, G>A on the plus strand (C>T on the coding strand, the complement: TPPP is on the minus strand). VCF-style: chr5-677936-G-A. GRCh37 (hg19) VCF-style: chr5-678051-G-A.
Other names: short protein forms A42V.
Identifiers: ClinVar variation 5031085 (VCV005031085.1).

ClinVar aggregate classification (germline): Uncertain significance (1 of 4 stars; one submission).

Submission:

Ambry Genetics
Classification: Uncertain significance. Last evaluated: 2026-08-23. Review status: criteria provided, single submitter. Criteria: Ambry Variant Classification Scheme 2023. Collection method: clinical testing. Allele origin: germline.
Comment: The c.125C>T (p.A42V) alteration is located in exon 2 (coding exon 1) of the TPPP gene. This alteration results from a C to T substitution at nucleotide position 125, causing the alanine (A) at amino acid position 42 to be replaced by a valine (V). Based on data from gnomAD, the T allele has an overall frequency of <0.001% (1/246470) total alleles studied. The highest observed frequency was 0.003% (1/30504) of South Asian alleles. Based on insufficient or conflicting evidence, the clinical significance of this alteration remains unclear.